The following is an entry in ClinVar:

ClinVar aggregate classification (germline): Uncertain significance (1 of 4 stars; one submission).

Conditions:
Alagille syndrome due to a JAG1 point mutation. Also called: HEPATIC DUCTULAR HYPOPLASIA, SYNDROMATIC; JAG1-Related Alagille Syndrome; Alagille Syndrome 1. Identifiers: Orphanet 261619, Orphanet 52, MedGen C1956125, MONDO:0016862, OMIM 118450.

Allele frequency attached by ClinVar (database versions not stated): TOPMed below 0.00001; ExAC 0.00001; ESP Exome Variant Server 0.00008.

Submission:

Labcorp Genetics (formerly Invitae), Labcorp
Classification: Uncertain significance for Alagille syndrome due to a JAG1 point mutation. Last evaluated: 2024-10-10. Review status: criteria provided, single submitter. Criteria: Invitae Variant Classification Sherloc (09022015). Collection method: clinical testing. Allele origin: germline.
Comment: This sequence change replaces aspartic acid, which is acidic and polar, with histidine, which is basic and polar, at codon 956 of the JAG1 protein (p.Asp956His). This variant is present in population databases (rs372430162, gnomAD 0.0009%). This variant has not been reported in the literature in individuals affected with JAG1-related conditions. ClinVar contains an entry for this variant (Variation ID: 2063767). Invitae Evidence Modeling of protein sequence and biophysical properties (such as structural, functional, and spatial information, amino acid conservation, physicochemical variation, residue mobility, and thermodynamic stability) indicates that this missense variant is not expected to disrupt JAG1 protein function with a negative predictive value of 95%. In summary, the available evidence is currently insufficient to determine the role of this variant in disease. Therefore, it has been classified as a Variant of Uncertain Significance.

NM_000214.3(JAG1):c.2866G>C (p.Asp956His)

Gene: JAG1 (jagged canonical Notch ligand 1; minus strand). Cytogenetic location: 20p12.2.
Variant type: single nucleotide variant.
Coding change: c.2866G>C on transcript NM_000214.3 (MANE Select); coding-DNA position 2866, G replaced by C.
Protein change: p.Asp956His; replaces aspartic acid 956 with histidine.
Molecular consequence: missense variant.
Genome position (GRCh38, 1-based): chr20:10,641,510, C>G on the plus strand (G>C on the coding strand, the complement: JAG1 is on the minus strand). VCF-style: chr20-10641510-C-G. GRCh37 (hg19) VCF-style: chr20-10622158-C-G.
Other names: short protein forms D956H.
Identifiers: ClinVar variation 2063767 (VCV002063767.4), dbSNP rs372430162, ClinGen allele CA9764376.